The following is an entry in ClinVar:

NM_000545.8(HNF1A):c.390G>T (p.Gln130His)

Gene: HNF1A (HNF1 homeobox A; plus strand). Cytogenetic location: 12q24.31.
Variant type: single nucleotide variant.
Coding change: c.390G>T on transcript NM_000545.8 (MANE Select); coding-DNA position 390, G replaced by T.
Protein change: p.Gln130His; replaces glutamine 130 with histidine.
Molecular consequence: missense variant.
Genome position (GRCh38, 1-based): chr12:120,988,896, G>T. VCF-style: chr12-120988896-G-T. GRCh37 (hg19) VCF-style: chr12-121426699-G-T.
Other names: NM_001306179.2:c.390G>T; c.390G>T, p.Gln130His (NM_001306179.2, NM_001406915.1); short protein forms Q130H.
Identifiers: ClinVar variation 3238981 (VCV003238981.1), dbSNP rs2135832585.

ClinVar aggregate classification (germline): Likely pathogenic (3 of 4 stars; one submission).

Conditions:
Monogenic diabetes. Identifiers: Orphanet 183625, MedGen C3888631, MONDO:0015967.

Submission:

ClinGen Monogenic Diabetes Variant Curation Expert Panel
Classification: Likely pathogenic for Monogenic diabetes. Last evaluated: 2024-06-09. Review status: reviewed by expert panel. Criteria: ClinGen Diabetes ACMG Specifications HNF1A V2.1.0. Collection method: curation. Allele origin: germline. Inheritance: Autosomal dominant inheritance.
Comment: The c.390G>T variant in the HNF1 homeobox A gene, HNF1A, causes an amino acid change of glutamine to histidine at codon 130 (p.(Gln130His)) of NM_000545.8. This variant is absent from gnomAD v2.1.1 (PM2_Supporting). This variant resides in an amino acid within the HNF1α DNA binding domain that directly binds DNA, which is defined as critical for the protein’s function by the ClinGen MDEP (PM1). This variant is predicted to be deleterious by computational evidence, with a REVEL score of 0.925, which is greater than the MDEP VCEP threshold of 0.70 (PP3). This variant was segregated with diabetes, with three informative meioses in one family (PP1; PMID: 16834925). Another missense variant, c.388C>G p.Gln130Glu, has been classified as likely pathogenic by the ClinGen MDEP (PM5_Supporting). In summary, c.390G>T meets the criteria to be classified as likely pathogenic for monogenic diabetes. ACMG/AMP criteria applied, as specified by the ClinGen MDEP (specification version 2.1.0, approved 8/11/2023): PM2_supporting, PM1, PP3, PP1, PM5_Supporting.